The following is an entry in ClinVar:

NM_000844.4(GRM7):c.1546C>T (p.Arg516Ter)

Gene: GRM7 (glutamate metabotropic receptor 7; plus strand). Cytogenetic location: 3p26.1.
Variant type: single nucleotide variant.
Coding change: c.1546C>T on transcript NM_000844.4 (MANE Select); coding-DNA position 1546, C replaced by T.
Protein change: p.Arg516Ter; replaces arginine 516 with a stop codon.
Molecular consequence: nonsense.
Genome position (GRCh38, 1-based): chr3:7,578,452, C>T. VCF-style: chr3-7578452-C-T. GRCh37 (hg19) VCF-style: chr3-7620139-C-T.
Other names: c.1546C>T, p.Arg516Ter (NM_181874.3); short protein forms R516*.
Identifiers: ClinVar variation 2106836 (VCV002106836.4), dbSNP rs1312633998, ClinGen allele CA351798886.
Genomic context (GRCh38, chr3:7,578,452, plus strand): 5'-TGATTCACCTTCTTATTTCTTATGTTACAGATAGAAGACATGCAGTGGGGTAAAGGAGTC[C>T]GAGAGATACCCGCCTCAGTGTGCACACTACCATGTAAGCCAGGACAGAGAAAGAAGACAC-3'

ClinVar aggregate classification (germline): Pathogenic (1 of 4 stars; one submission).

Allele frequency attached by ClinVar (database versions not stated): gnomAD exomes below 0.00001; gnomAD 0.00001; TOPMed 0.00001.
gnomAD v4.1: 5 of 1,612,504 alleles (0.00031%); highest among the groups gnomAD compares: Non-Finnish European, 0.00042%; no homozygotes.

Submission:

Labcorp Genetics (formerly Invitae), Labcorp
Classification: Pathogenic. Last evaluated: 2023-07-21. Review status: criteria provided, single submitter. Criteria: Invitae Variant Classification Sherloc (09022015). Collection method: clinical testing. Allele origin: germline.
Comment: This sequence change creates a premature translational stop signal (p.Arg516*) in the GRM7 gene. It is expected to result in an absent or disrupted protein product. Loss-of-function variants in GRM7 are known to be pathogenic (PMID: 28097321). This variant is present in population databases (no rsID available, gnomAD 0.002%). This variant has not been reported in the literature in individuals affected with GRM7-related conditions. ClinVar contains an entry for this variant (Variation ID: 2106836). For these reasons, this variant has been classified as Pathogenic.

Literature cited by the submitters: PubMed 28097321.